The following is an entry in ClinVar:

NM_020297.4(ABCC9):c.1333G>A (p.Val445Met)

Gene: ABCC9 (ATP binding cassette subfamily C member 9; minus strand). Cytogenetic location: 12p12.1.
Variant type: single nucleotide variant.
Coding change: c.1333G>A on transcript NM_020297.4 (MANE Select); coding-DNA position 1333, G replaced by A.
Protein change: p.Val445Met; replaces valine 445 with methionine.
Molecular consequence: missense variant.
Genome position (GRCh38, 1-based): chr12:21,908,199, C>T on the plus strand (G>A on the coding strand, the complement: ABCC9 is on the minus strand). VCF-style: chr12-21908199-C-T. GRCh37 (hg19) VCF-style: chr12-22061133-C-T.
Other names: c.1333G>A, p.Val445Met (NM_001377273.1, NM_005691.4); c.469G>A, p.Val157Met (NM_001377274.1); short protein forms V157M, V445M.
Identifiers: ClinVar variation 3257477 (VCV003257477.17).

ClinVar aggregate classification (germline): Uncertain significance (1 of 4 stars; one submission).

gnomAD v4.1: 2 of 1,612,358 alleles (0.00012%); highest among the groups gnomAD compares: Non-Finnish European, 0.00017%; no homozygotes.

Submission:

CeGaT Center for Human Genetics Tuebingen
Classification: Uncertain significance. Last evaluated: 2024-07-01. Review status: criteria provided, single submitter. Criteria: CeGaT Center For Human Genetics Tuebingen Variant Classification Criteria Version 2. Collection method: clinical testing. Allele origin: germline. Affected: yes. Observed: 1 variant allele.
Comment: ABCC9: PM2